The following is an entry in ClinVar:

ClinVar aggregate classification (germline): Uncertain significance (1 of 4 stars; one submission).

Conditions:
Developmental and epileptic encephalopathy, 21 (DEE21). Also called: Early infantile epileptic encephalopathy 21. Identifiers: Orphanet 442835, MedGen C4014430, MONDO:0014360, OMIM 615833.

Submission:

Labcorp Genetics (formerly Invitae), Labcorp
Classification: Uncertain significance for Developmental and epileptic encephalopathy, 21. Last evaluated: 2022-01-14. Review status: criteria provided, single submitter. Criteria: Invitae Variant Classification Sherloc (09022015). Collection method: clinical testing. Allele origin: germline.
Comment: This sequence change replaces valine, which is neutral and non-polar, with alanine, which is neutral and non-polar, at codon 273 of the NECAP1 protein (p.Val273Ala). This variant has not been reported in the literature in individuals affected with NECAP1-related conditions. This variant is not present in population databases (gnomAD no frequency). In summary, the available evidence is currently insufficient to determine the role of this variant in disease. Therefore, it has been classified as a Variant of Uncertain Significance. Algorithms developed to predict the effect of missense changes on protein structure and function are either unavailable or do not agree on the potential impact of this missense change (SIFT: "Not Available"; PolyPhen-2: "Possibly Damaging"; Align-GVGD: "Not Available").

NM_015509.4(NECAP1):c.818T>C (p.Val273Ala)

Gene: NECAP1 (NECAP endocytosis associated 1; plus strand). Cytogenetic location: 12p13.31.
Variant type: single nucleotide variant.
Coding change: c.818T>C on transcript NM_015509.4 (MANE Select); coding-DNA position 818, T replaced by C.
Protein change: p.Val273Ala; replaces valine 273 with alanine.
Molecular consequence: missense variant. On other transcripts: non-coding transcript variant (1).
Genome position (GRCh38, 1-based): chr12:8,096,080, T>C. VCF-style: chr12-8096080-T-C. GRCh37 (hg19) VCF-style: chr12-8248676-T-C.
Other names: short protein forms V273A.
Identifiers: ClinVar variation 1500184 (VCV001500184.8), dbSNP rs2120496797, ClinGen allele CA383803121.
Genomic context (GRCh38, chr12:8,096,080, plus strand): 5'-TCTCTGTTCTCCTGTCTTGCAGCTCTGTTCCAAACCAGGCACCACAGCCATCCAACTGGG[T>C]CCAGTTCTGAATGGCATTGGCAGGACATTAAGGACAGACTTGAGGAATAAAAATGACCTT-3'
Protein context (NP_056324.2, residues 263-275): PNQAPQPSNW[Val273Ala]QF